The following is an entry in ClinVar:

ClinVar aggregate classification (germline): Uncertain significance. Review status: criteria provided, multiple submitters, no conflicts (2 of 4 stars). 2 submissions from 2 submitters: Uncertain significance (2). Last evaluated 2025-05-14.

Allele frequency attached by ClinVar (database versions not stated): gnomAD 0.00001; gnomAD exomes 0.00001; ExAC 0.00002; TOPMed 0.00002.
gnomAD v4.1: 20 of 1,614,042 alleles (0.0012%); highest among the groups gnomAD compares: South Asian, 0.0066%; no homozygotes.

Submissions (2):

Ambry Genetics
Classification: Uncertain significance. Last evaluated: 2025-05-14. Review status: criteria provided, single submitter. Criteria: Ambry Variant Classification Scheme 2023. Collection method: clinical testing. Allele origin: germline.

Labcorp Genetics (formerly Invitae), Labcorp
Classification: Uncertain significance. Last evaluated: 2024-11-18. Review status: criteria provided, single submitter. Criteria: Invitae Variant Classification Sherloc (09022015). Collection method: clinical testing. Allele origin: germline.
Comment: This sequence change replaces tyrosine, which is neutral and polar, with cysteine, which is neutral and slightly polar, at codon 974 of the DISP1 protein (p.Tyr974Cys). This variant is present in population databases (rs771684471, gnomAD 0.02%). This variant has not been reported in the literature in individuals affected with DISP1-related conditions. ClinVar contains an entry for this variant (Variation ID: 2516463). An algorithm developed to predict the effect of missense changes on protein structure and function (PolyPhen-2) suggests that this variant is likely to be disruptive. In summary, the available evidence is currently insufficient to determine the role of this variant in disease. Therefore, it has been classified as a Variant of Uncertain Significance.

NM_001377229.1(DISP1):c.2921A>G (p.Tyr974Cys)

Gene: DISP1 (dispatched RND transporter family member 1; plus strand). Cytogenetic location: 1q41.
Variant type: single nucleotide variant.
Coding change: c.2921A>G on transcript NM_001377229.1 (MANE Select); coding-DNA position 2921, A replaced by G.
Protein change: p.Tyr974Cys; replaces tyrosine 974 with cysteine.
Molecular consequence: missense variant.
Genome position (GRCh38, 1-based): chr1:223,004,318, A>G. VCF-style: chr1-223004318-A-G. GRCh37 (hg19) VCF-style: chr1-223177660-A-G.
Other names: c.2192A>G, p.Tyr731Cys (NM_001350630.2); c.2921A>G, p.Tyr974Cys (NM_001369594.1, NM_001377228.1, NM_032890.5); short protein forms Y731C, Y974C.
Identifiers: ClinVar variation 2516463 (VCV002516463.5), dbSNP rs771684471, ClinGen allele CA1409310.